The following is an entry in ClinVar:

NM_032444.4(SLX4):c.5040G>C (p.Arg1680Ser)

Gene: SLX4 (SLX4 structure-specific endonuclease subunit; minus strand). Cytogenetic location: 16p13.3.
Variant type: single nucleotide variant.
Coding change: c.5040G>C on transcript NM_032444.4 (MANE Select); coding-DNA position 5040, G replaced by C.
Protein change: p.Arg1680Ser; replaces arginine 1680 with serine.
Molecular consequence: missense variant.
Genome position (GRCh38, 1-based): chr16:3,583,210, C>G on the plus strand (G>C on the coding strand, the complement: SLX4 is on the minus strand). VCF-style: chr16-3583210-C-G. GRCh37 (hg19) VCF-style: chr16-3633211-C-G.
Other names: c.5040G>C (LRG_503t1, NM_032444.3); short protein forms R1680S.
Identifiers: ClinVar variation 526390 (VCV000526390.17), dbSNP rs199592185, ClinGen allele CA7865440.

ClinVar aggregate classification (germline): Conflicting classifications of pathogenicity. Review status: criteria provided, conflicting classifications (1 of 4 stars). 6 submissions from 6 submitters: Uncertain significance (5); Likely benign (1). Last evaluated 2024-10-15.

Conditions:
Fanconi anemia complementation group P. Also called: SLX4-Related Fanconi Anemia. Identifiers: Orphanet 84, MedGen C3469542, MONDO:0013499, OMIM 613951.
SLX4-related disorder. Also called: SLX4-related condition.
Fanconi anemia (FA). Also called: Fanconi's anemia. Identifiers: Orphanet 84, MedGen C0015625, MeSH D005199, MONDO:0019391.

Allele frequency attached by ClinVar (database versions not stated): TOPMed 0.00003; ESP Exome Variant Server 0.00008.
gnomAD v4.1: 49 of 1,614,052 alleles (0.003%); highest among the groups gnomAD compares: Middle Eastern, 0.033%; no homozygotes.

Submissions (6):

Blueprint Genetics
Classification: Likely benign. Last evaluated: 2024-10-15. Review status: criteria provided, single submitter. Criteria: ACMG Guidelines, 2015. Collection method: clinical testing. Allele origin: germline.

Fulgent Genetics
Classification: Uncertain significance for Fanconi anemia complementation group P. Last evaluated: 2024-04-29. Review status: criteria provided, single submitter. Criteria: ACMG Guidelines, 2015. Collection method: clinical testing. Allele origin: germline.

Labcorp Genetics (formerly Invitae), Labcorp
Classification: Uncertain significance for Fanconi anemia. Last evaluated: 2023-10-13. Review status: criteria provided, single submitter. Criteria: Invitae Variant Classification Sherloc (09022015). Collection method: clinical testing. Allele origin: germline.
Comment: This sequence change replaces arginine, which is basic and polar, with serine, which is neutral and polar, at codon 1680 of the SLX4 protein (p.Arg1680Ser). This variant is present in population databases (rs199592185, gnomAD 0.02%). This variant has not been reported in the literature in individuals affected with SLX4-related conditions. ClinVar contains an entry for this variant (Variation ID: 526390). An algorithm developed to predict the effect of missense changes on protein structure and function (PolyPhen-2) suggests that this variant¬†is likely to be tolerated. In summary, the available evidence is currently insufficient to determine the role of this variant in disease. Therefore, it has been classified as a Variant of Uncertain Significance.

PreventionGenetics, part of Exact Sciences
Classification: Uncertain significance for SLX4-related condition. Last evaluated: 2023-02-28. Review status: criteria provided, single submitter. Criteria: ACMG Guidelines, 2015. Collection method: clinical testing. Allele origin: germline.
Comment: The SLX4 c.5040G>C variant is predicted to result in the amino acid substitution p.Arg1680Ser. To our knowledge, this variant has not been reported in the literature. This variant is reported in 0.017% of alleles in individuals of Latino descent in gnomAD. At this time, the clinical significance of this variant is uncertain due to the absence of conclusive functional and genetic evidence.

Institute for Clinical Genetics, University Hospital TU Dresden, University Hospital TU Dresden
Classification: Uncertain significance. Last evaluated: 2021-11-03. Review status: criteria provided, single submitter. Criteria: ACMG Guidelines, 2015. Collection method: clinical testing. Allele origin: germline.

Illumina Laboratory Services, Illumina
Classification: Uncertain significance for Fanconi anemia complementation group P. Last evaluated: 2018-03-30. Review status: criteria provided, single submitter. Criteria: ICSL Variant Classification Criteria 13 December 2019. Collection method: clinical testing. Allele origin: germline.